The following is an entry in ClinVar:

NM_000093.5(COL5A1):c.1625_1626delinsCC (p.Gln542Pro)

Gene: COL5A1 (collagen type V alpha 1 chain; plus strand). Cytogenetic location: 9q34.3.
Variant type: Indel.
Coding change: c.1625_1626delinsCC on transcript NM_000093.5 (MANE Select); coding-DNA positions 1625 to 1626, AG replaced by CC.
Protein change: p.Gln542Pro; replaces glutamine 542 with proline.
Molecular consequence: missense variant.
Genome position (GRCh38, 1-based): chr9:134,750,845-134,750,846, AG replaced by CC. VCF-style: chr9-134750845-AG-CC. GRCh37 (hg19) VCF-style: chr9-137642691-AG-CC.
Other names: c.1625_1626delinsCC, p.Gln542Pro (NM_001278074.1); short protein forms Q542P.
Identifiers: ClinVar variation 5009627 (VCV005009627.1).
Genomic context (GRCh38, chr9:134,750,845, plus strand): 5'-TGCAGTTCCGGTTTGGAGGTGGCGGCGATGCGGGCTCCAAAGGCCCCATGGTCTCAGCCC[AG>CC]GAGTCCCAGGCGCAAGCCATTCTCCAGCAGGCCAGGGTGAGTACTGCTGGGTCCCAAGAG-3'
Protein context (NP_000084.3, residues 532-552): AGSKGPMVSA[Gln542Pro]ESQAQAILQQ

ClinVar aggregate classification (germline): Uncertain significance (1 of 4 stars; one submission).

Submission:

GeneDx
Classification: Uncertain significance. Last evaluated: 2026-02-21. Review status: criteria provided, single submitter. Criteria: GeneDx Variant Classification Process June 2021. Collection method: clinical testing. Allele origin: germline.
Comment: Not observed at significant frequency in large population cohorts (gnomAD); In silico analysis supports a deleterious effect on protein structure/function; Has not been previously published as pathogenic or benign to our knowledge; Not located in the triple helical region, where the majority of pathogenic missense variants occur (PMID: 22696272; HGMD); This variant is associated with the following publications: (PMID: 22696272)